The following is an entry in ClinVar:

ClinVar aggregate classification (germline): Uncertain significance. Review status: criteria provided, multiple submitters, no conflicts (2 of 4 stars). 5 submissions from 5 submitters: Uncertain significance (4). 1 of the submissions does not count toward it. Last evaluated 2025-11-24.

Conditions:
VCL-related disorder. Also called: VCL-related condition.
Cardiovascular phenotype. Identifiers: MedGen CN230736.
Dilated cardiomyopathy 1W (CMD1W). Identifiers: Orphanet 154, MedGen C1969639, MONDO:0012667, OMIM 611407.
Hypertrophic cardiomyopathy 15. Identifiers: MedGen C2750459, MONDO:0013200, OMIM 613255.

Allele frequency attached by ClinVar (database versions not stated): TOPMed 0.00002; gnomAD 0.00004 and 0.00005; gnomAD exomes 0.00001.
gnomAD v4.1: 27 of 1,613,830 alleles (0.0017%); highest among the groups gnomAD compares: African/African-American, 0.0094%; no homozygotes.

Submissions (5):

Labcorp Genetics (formerly Invitae), Labcorp
Classification: Uncertain significance for Dilated cardiomyopathy 1W. Last evaluated: 2025-11-24. Review status: criteria provided, single submitter. Criteria: Invitae Variant Classification Sherloc (09022015). Collection method: clinical testing. Allele origin: germline.
Comment: This sequence change replaces arginine, which is basic and polar, with glutamine, which is neutral and polar, at codon 1031 of the VCL protein (p.Arg1031Gln). This variant is present in population databases (rs397517238, gnomAD 0.01%). This missense change has been observed in individual(s) with dilated cardiomyopathy (PMID: 27532257). ClinVar contains an entry for this variant (Variation ID: 45605). An algorithm developed to predict the effect of missense changes on protein structure and function (PolyPhen-2) suggests that this variant is likely to be tolerated. In summary, the available evidence is currently insufficient to determine the role of this variant in disease. Therefore, it has been classified as a Variant of Uncertain Significance.

PreventionGenetics, part of Exact Sciences
Classification: Uncertain significance for VCL-related condition. Last evaluated: 2025-07-02. Review status: criteria provided, single submitter. Criteria: ACMG Guidelines, 2015. Collection method: clinical testing. Allele origin: germline.
Comment: The VCL c.3092G>A variant is predicted to result in the amino acid substitution p.Arg1031Gln. This variant has been reported as a variant of uncertain significance in an individual with dilated cardiomyopathy (Table S1B, Walsh et al. 2017. PubMed ID: 27532257). This variant is reported in 0.012% of alleles in individuals of African descent in gnomAD. At this time, the clinical significance of this variant is uncertain due to the absence of conclusive functional and genetic evidence.

Fulgent Genetics
Classification: Uncertain significance for Dilated cardiomyopathy 1W; Hypertrophic cardiomyopathy 15. Last evaluated: 2021-08-30. Review status: criteria provided, single submitter. Criteria: ACMG Guidelines, 2015. Collection method: clinical testing. Allele origin: unknown.

Ambry Genetics
Classification: Uncertain significance for Cardiovascular phenotype. Last evaluated: 2016-01-13. Review status: criteria provided, single submitter. Criteria: Ambry Variant Classification Scheme 2023. Collection method: clinical testing. Allele origin: germline.

Laboratory for Molecular Medicine, Mass General Brigham Personalized Medicine
Classification: Uncertain significance. Last evaluated: 2009-06-09. Review status: no assertion criteria provided. Collection method: clinical testing. Allele origin: germline. Observed: 1 variant allele. Not counted in ClinVar's aggregate classification.

Literature cited by the submitters: PubMed 27532257 (cited by Labcorp Genetics (formerly Invitae), Labcorp).

NM_014000.3(VCL):c.3092G>A (p.Arg1031Gln)

Gene: VCL (vinculin; plus strand). Cytogenetic location: 10q22.2.
Variant type: single nucleotide variant.
Coding change: c.3092G>A on transcript NM_014000.3 (MANE Select); coding-DNA position 3092, G replaced by A.
Protein change: p.Arg1031Gln; replaces arginine 1031 with glutamine.
Molecular consequence: missense variant.
Genome position (GRCh38, 1-based): chr10:74,114,326, G>A. VCF-style: chr10-74114326-G-A. GRCh37 (hg19) VCF-style: chr10-75874084-G-A.
Other names: c.2888G>A, p.Arg963Gln (NM_003373.4); short protein forms R1031Q, R963Q.
Identifiers: ClinVar variation 45605 (VCV000045605.14), dbSNP rs397517238, ClinGen allele CA136770.